The following is an entry in ClinVar:

ClinVar aggregate classification (germline): Pathogenic (1 of 4 stars; one submission).

Conditions:
Neurofibromatosis, type 1 (NF1). Also called: Peripheral type neurofibromatosis; VON RECKLINGHAUSEN DISEASE; NEUROFIBROMATOSIS, TYPE I, SOMATIC; Neurofibromatosis, type I. Identifiers: Orphanet 636, MedGen C0027831, MONDO:0018975, OMIM 162200. Disease mechanism: loss of function.

Submission:

Labcorp Genetics (formerly Invitae), Labcorp
Classification: Pathogenic for Neurofibromatosis, type 1. Last evaluated: 2024-05-27. Review status: criteria provided, single submitter. Criteria: Invitae Variant Classification Sherloc (09022015). Collection method: clinical testing. Allele origin: germline.
Comment: This sequence change creates a premature translational stop signal (p.Asp779Hisfs*11) in the NF1 gene. It is expected to result in an absent or disrupted protein product. Loss-of-function variants in NF1 are known to be pathogenic (PMID: 10712197, 23913538). This variant is not present in population databases (gnomAD no frequency). This variant has not been reported in the literature in individuals affected with NF1-related conditions. For these reasons, this variant has been classified as Pathogenic.

Literature cited by the submitters: PubMed 10712197; PubMed 23913538.

NM_001042492.3(NF1):c.2335_2338del (p.Asp779fs)

Gene: NF1 (neurofibromin 1; plus strand). Cytogenetic location: 17q11.2.
Variant type: Deletion.
Coding change: c.2335_2338del on transcript NM_001042492.3 (MANE Select); coding-DNA positions 2335 to 2338, 4 bases deleted (GATA; older notation c.2335_2338delGATA).
Protein change: p.Asp779fs; shifts the reading frame from aspartic acid 779.
Molecular consequence: frameshift variant.
Genome position (GRCh38, 1-based): chr17:31,227,532-31,227,535, GATA deleted; deleting any 4 consecutive bases within chr17:31,227,531-31,227,535 gives the same sequence; the c. name uses the placement nearest the transcript's 3' end. VCF-style (leftmost placement, unchanged base first): chr17-31227530-AAGAT-A. GRCh37 (hg19) VCF-style: chr17-29554548-AAGAT-A.
Other names: c.2335_2338delGATA, p.Asp779Hisfs (NM_000267.4); short protein forms D779fs.
Identifiers: ClinVar variation 3654762 (VCV003654762.2).